The following is an entry in ClinVar:

NM_006904.7(PRKDC):c.5134C>T (p.Arg1712Cys)

Gene: PRKDC (protein kinase, DNA-activated, catalytic subunit; minus strand). Cytogenetic location: 8q11.21.
Variant type: single nucleotide variant.
Coding change: c.5134C>T on transcript NM_006904.7 (MANE Select); coding-DNA position 5134, C replaced by T.
Protein change: p.Arg1712Cys; replaces arginine 1712 with cysteine.
Molecular consequence: missense variant.
Genome position (GRCh38, 1-based): chr8:47,879,592, G>A on the plus strand (C>T on the coding strand, the complement: PRKDC is on the minus strand). VCF-style: chr8-47879592-G-A. GRCh37 (hg19) VCF-style: chr8-48792153-G-A.
Other names: c.5134C>T, p.Arg1712Cys (NM_001081640.2); short protein forms R1712C.
Identifiers: ClinVar variation 1421941 (VCV001421941.4), dbSNP rs1274434553, ClinGen allele CA371138675.
Genomic context (GRCh38, chr8:47,879,592, plus strand): 5'-CTGGAGGAAATTCCCTGGACTGCATGGGGAAGTGAGCAACGATGAGCTGCTCCAGAACAC[G>A]TCTAAGTTCCTCCAGACTGCCTCCAGTGAGGCTGGTGAAGAATGGAAGAAGAGTGACAGC-3'
Protein context (NP_008835.5, residues 1702-1722): LTGGSLEELR[Arg1712Cys]VLEQLIVAHF

ClinVar aggregate classification (germline): Uncertain significance (1 of 4 stars; one submission).

Conditions:
Severe combined immunodeficiency due to DNA-PKcs deficiency. Also called: IMMUNODEFICIENCY 26 WITH NEUROLOGIC ABNORMALITIES; Immunodeficiency 26 with or without neurologic abnormalities. Identifiers: Orphanet 317425, MedGen C4014833, MONDO:0014423, OMIM 615966.

Allele frequency attached by ClinVar (database versions not stated): gnomAD exomes below 0.00001.
gnomAD v4.1: 3 of 1,594,700 alleles (0.00019%); highest among the groups gnomAD compares: Non-Finnish European, 0.00026%; no homozygotes.

Submission:

Labcorp Genetics (formerly Invitae), Labcorp
Classification: Uncertain significance for Severe combined immunodeficiency due to DNA-PKcs deficiency. Last evaluated: 2022-06-13. Review status: criteria provided, single submitter. Criteria: Invitae Variant Classification Sherloc (09022015). Collection method: clinical testing. Allele origin: germline.
Comment: In summary, the available evidence is currently insufficient to determine the role of this variant in disease. Therefore, it has been classified as a Variant of Uncertain Significance. Experimental studies and prediction algorithms are not available or were not evaluated, and the functional significance of this variant is currently unknown. This variant has not been reported in the literature in individuals affected with PRKDC-related conditions. The frequency data for this variant in the population databases is considered unreliable, as metrics indicate poor data quality at this position in the gnomAD database. This sequence change replaces arginine with cysteine at codon 1712 of the PRKDC protein (p.Arg1712Cys). The arginine residue is weakly conserved and there is a large physicochemical difference between arginine and cysteine.